The following is an entry in ClinVar:

NM_003722.5(TP63):c.656C>T (p.Pro219Leu)

Gene: TP63 (tumor protein p63; plus strand). Cytogenetic location: 3q28.
Variant type: single nucleotide variant.
Coding change: c.656C>T on transcript NM_003722.5 (MANE Select); coding-DNA position 656, C replaced by T.
Protein change: p.Pro219Leu; replaces proline 219 with leucine.
Molecular consequence: missense variant.
Genome position (GRCh38, 1-based): chr3:189,864,308, C>T. VCF-style: chr3-189864308-C-T. GRCh37 (hg19) VCF-style: chr3-189582097-C-T.
Other names: c.656C>T, p.Pro219Leu (NM_001114978.2, NM_001114979.2, NM_001329144.2 and 1 more transcripts); c.374C>T, p.Pro125Leu (NM_001114980.2, NM_001114981.2, NM_001114982.2 and 2 more transcripts); c.119C>T, p.Pro40Leu (NM_001329146.2, NM_001329150.2); c.650C>T, p.Pro217Leu (NM_001329964.2); short protein forms P125L, P217L, P40L, P219L.
Identifiers: ClinVar variation 2703814 (VCV002703814.2), dbSNP rs2474590196, ClinGen allele CA355753377.

ClinVar aggregate classification (germline): Uncertain significance (1 of 4 stars; one submission).

Conditions:
TP63-Related Spectrum Disorders.

Submission:

Labcorp Genetics (formerly Invitae), Labcorp
Classification: Uncertain significance. Last evaluated: 2023-12-18. Review status: criteria provided, single submitter. Criteria: Invitae Variant Classification Sherloc (09022015). Collection method: clinical testing. Allele origin: germline.
Comment: This sequence change replaces proline, which is neutral and non-polar, with leucine, which is neutral and non-polar, at codon 219 of the TP63 protein (p.Pro219Leu). This variant is not present in population databases (gnomAD no frequency). This variant has not been reported in the literature in individuals affected with TP63-related conditions. Advanced modeling of protein sequence and biophysical properties (such as structural, functional, and spatial information, amino acid conservation, physicochemical variation, residue mobility, and thermodynamic stability) performed at Invitae indicates that this missense variant is expected to disrupt TP63 protein function with a positive predictive value of 80%. In summary, the available evidence is currently insufficient to determine the role of this variant in disease. Therefore, it has been classified as a Variant of Uncertain Significance.